The following is an entry in ClinVar:

ClinVar aggregate classification (germline): Uncertain significance (1 of 4 stars; one submission).

Conditions:
Familial adenomatous polyposis 1 (FAP1). Also called: FAMILIAL ADENOMATOUS POLYPOSIS 1, ATTENUATED; POLYPOSIS, ADENOMATOUS INTESTINAL. Identifiers: MedGen C2713442, MONDO:0021056, OMIM 175100. Disease mechanism: loss of function.

Submission:

Labcorp Genetics (formerly Invitae), Labcorp
Classification: Uncertain significance for Familial adenomatous polyposis 1. Last evaluated: 2023-03-17. Review status: criteria provided, single submitter. Criteria: Invitae Variant Classification Sherloc (09022015). Collection method: clinical testing. Allele origin: germline.
Comment: In summary, the available evidence is currently insufficient to determine the role of this variant in disease. Therefore, it has been classified as a Variant of Uncertain Significance. This sequence change replaces isoleucine, which is neutral and non-polar, with methionine, which is neutral and non-polar, at codon 169 of the APC protein (p.Ile169Met). This variant is not present in population databases (gnomAD no frequency). This variant has not been reported in the literature in individuals affected with APC-related conditions. Advanced modeling of protein sequence and biophysical properties (such as structural, functional, and spatial information, amino acid conservation, physicochemical variation, residue mobility, and thermodynamic stability) performed at Invitae indicates that this missense variant is not expected to disrupt APC protein function.

NM_000038.6(APC):c.507A>G (p.Ile169Met)

Gene: APC (APC regulator of Wnt signaling pathway; plus strand). Cytogenetic location: 5q22.2.
Variant type: single nucleotide variant.
Coding change: c.507A>G on transcript NM_000038.6 (MANE Select); coding-DNA position 507, A replaced by G.
Protein change: p.Ile169Met; replaces isoleucine 169 with methionine.
Molecular consequence: missense variant. On other transcripts: non-coding transcript variant (2), 5 prime UTR variant (4).
Genome position (GRCh38, 1-based): chr5:112,775,713, A>G. VCF-style: chr5-112775713-A-G. GRCh37 (hg19) VCF-style: chr5-112111410-A-G.
Other names: c.507A>G, p.Ile169Met (NM_001127510.3, NM_001354895.2, NM_001354896.2 and 16 more transcripts); c.537A>G, p.Ile179Met (NM_001127511.3, NM_001354897.2, NM_001354902.2 and 1 more transcripts); c.432A>G, p.Ile144Met (NM_001354898.2, NM_001354904.2, NM_001407451.1); c.330A>G, p.Ile110Met (NM_001354900.2, NM_001354901.2, NM_001354905.2 and 1 more transcripts); c.-529A>G (NM_001354906.2, NM_001407470.1, NM_001407471.1 and 1 more transcripts); short protein forms I110M, I144M, I169M, I179M.
Identifiers: ClinVar variation 2723182 (VCV002723182.3), dbSNP rs2532415785, ClinGen allele CA16022433.